The following is an entry in ClinVar:

NM_004527.4(MEOX1):c.578A>G (p.His193Arg)

Gene: MEOX1 (mesenchyme homeobox 1; minus strand). Cytogenetic location: 17q21.31.
Variant type: single nucleotide variant.
Coding change: c.578A>G on transcript NM_004527.4 (MANE Select); coding-DNA position 578, A replaced by G.
Protein change: p.His193Arg; replaces histidine 193 with arginine.
Molecular consequence: missense variant. On other transcripts: intron variant (1).
Genome position (GRCh38, 1-based): chr17:43,643,552, T>C on the plus strand (A>G on the coding strand, the complement: MEOX1 is on the minus strand). VCF-style: chr17-43643552-T-C. GRCh37 (hg19) VCF-style: chr17-41720920-T-C.
Other names: c.233A>G, p.His78Arg (NM_001040002.2); c.470-1520A>G (NM_013999.4); short protein forms H193R, H78R.
Identifiers: ClinVar variation 734020 (VCV000734020.10), dbSNP rs149570783, ClinGen allele CA8592589.

ClinVar aggregate classification (germline): Likely benign. Review status: criteria provided, multiple submitters, no conflicts (2 of 4 stars). 2 submissions from 2 submitters: Likely benign (2). Last evaluated 2026-01-07.

Conditions:
MEOX1-related disorder. Also called: MEOX1-related condition.

Allele frequency attached by ClinVar (database versions not stated): gnomAD exomes 0.00011; 1000 Genomes Project 0.00060; 1000 Genomes Project 30x 0.00078; gnomAD 0.00124; TOPMed 0.00156; ESP Exome Variant Server 0.00200.
gnomAD v4.1: 366 of 1,611,624 alleles (0.023%); highest among the groups gnomAD compares: African/African-American, 0.46%; 3 homozygotes.

Submissions (2):

Labcorp Genetics (formerly Invitae), Labcorp
Classification: Likely benign. Last evaluated: 2026-01-07. Review status: criteria provided, single submitter. Criteria: Invitae Variant Classification Sherloc (09022015). Collection method: clinical testing. Allele origin: germline.

PreventionGenetics, part of Exact Sciences
Classification: Likely benign for MEOX1-related condition. Last evaluated: 2025-01-19. Review status: criteria provided, single submitter. Criteria: ACMG Guidelines, 2015. Collection method: clinical testing. Allele origin: germline.
Comment: This variant is classified as likely benign based on ACMG/AMP sequence variant interpretation guidelines (Richards et al. 2015 PMID: 25741868, with internal and published modifications).